The following is an entry in ClinVar:

NM_000188.3(HK1):c.1690A>G (p.Ile564Val)

Gene: HK1 (hexokinase 1; plus strand). Cytogenetic location: 10q22.1.
Variant type: single nucleotide variant.
Coding change: c.1690A>G on transcript NM_000188.3 (MANE Select); coding-DNA position 1690, A replaced by G.
Protein change: p.Ile564Val; replaces isoleucine 564 with valine.
Molecular consequence: missense variant.
Genome position (GRCh38, 1-based): chr10:69,384,452, A>G. VCF-style: chr10-69384452-A-G. GRCh37 (hg19) VCF-style: chr10-71144208-A-G.
Other names: c.1702A>G, p.Ile568Val (NM_001322364.2, NM_001358263.1, NM_033497.3 and 1 more transcripts); c.1795A>G, p.Ile599Val (NM_001322365.2); c.1606A>G, p.Ile536Val (NM_001322366.1); c.1594A>G, p.Ile532Val (NM_001322367.1); c.1687A>G, p.Ile563Val (NM_033496.3); c.1654A>G, p.Ile552Val (NM_033500.2); short protein forms I552V, I563V, I564V, I536V, I568V, I599V, I532V.
Identifiers: ClinVar variation 2921181 (VCV002921181.4), dbSNP rs891414368, ClinGen allele CA209213540.

ClinVar aggregate classification (germline): Conflicting classifications of pathogenicity. Review status: criteria provided, conflicting classifications (1 of 4 stars). 3 submissions from 3 submitters: Uncertain significance (2); Likely benign (1). Last evaluated 2025-12-08.

Allele frequency attached by ClinVar (database versions not stated): gnomAD exomes below 0.00001; gnomAD 0.00001; TOPMed 0.00003.
gnomAD v4.1: 4 of 1,614,140 alleles (0.00025%); highest among the groups gnomAD compares: African/African-American, 0.0013%; no homozygotes.

Submissions (3):

Labcorp Genetics (formerly Invitae), Labcorp
Classification: Uncertain significance. Last evaluated: 2025-12-08. Review status: criteria provided, single submitter. Criteria: Invitae Variant Classification Sherloc (09022015). Collection method: clinical testing. Allele origin: germline.
Comment: This sequence change replaces isoleucine, which is neutral and non-polar, with valine, which is neutral and non-polar, at codon 564 of the HK1 protein (p.Ile564Val). This variant is not present in population databases (gnomAD no frequency). This variant has not been reported in the literature in individuals affected with HK1-related conditions. ClinVar contains an entry for this variant (Variation ID: 2921181). Invitae Evidence Modeling of protein sequence and biophysical properties (such as structural, functional, and spatial information, amino acid conservation, physicochemical variation, residue mobility, and thermodynamic stability) indicates that this missense variant is not expected to disrupt HK1 protein function with a negative predictive value of 80%. In summary, the available evidence is currently insufficient to determine the role of this variant in disease. Therefore, it has been classified as a Variant of Uncertain Significance.

ARUP Laboratories, Molecular Genetics and Genomics, ARUP Laboratories
Classification: Uncertain significance. Last evaluated: 2023-05-03. Review status: criteria provided, single submitter. Criteria: ARUP Molecular Germline Variant Investigation Process 2024. Collection method: clinical testing. Allele origin: germline.

Blueprint Genetics
Classification: Likely benign. Last evaluated: 2022-10-26. Review status: criteria provided, single submitter. Criteria: ACMG Guidelines, 2015. Collection method: clinical testing. Allele origin: germline.